The following is an entry in ClinVar:

NM_001079802.2(FKTN):c.194C>A (p.Thr65Lys)

Gene: FKTN (fukutin; plus strand). Cytogenetic location: 9q31.2.
Variant type: single nucleotide variant.
Coding change: c.194C>A on transcript NM_001079802.2 (MANE Select); coding-DNA position 194, C replaced by A.
Protein change: p.Thr65Lys; replaces threonine 65 with lysine.
Molecular consequence: missense variant. On other transcripts: 5 prime UTR variant (4), non-coding transcript variant (2).
Genome position (GRCh38, 1-based): chr9:105,601,173, C>A. VCF-style: chr9-105601173-C-A. GRCh37 (hg19) VCF-style: chr9-108363454-C-A.
Other names: c.194C>A, p.Thr65Lys (NM_001198963.2, NM_001351496.2, NM_001351498.2 and 1 more transcripts); c.125C>A, p.Thr42Lys (NM_001351497.2); c.-321C>A (NM_001351499.2, NM_001351500.2, NM_001351501.2 and 1 more transcripts); c.194C>A (NM_001079802.1); short protein forms T65K, T42K.
Identifiers: ClinVar variation 1405045 (VCV001405045.4), dbSNP rs1238441242, ClinGen allele CA374331451.

ClinVar aggregate classification (germline): Uncertain significance. Review status: criteria provided, multiple submitters, no conflicts (2 of 4 stars). 2 submissions from 2 submitters: Uncertain significance (2). Last evaluated 2026-07-24.

Conditions:
Walker-Warburg congenital muscular dystrophy. Also called: Muscular dystrophy-dystroglycanopathy, type A; Walker-Warburg syndrome. Identifiers: Orphanet 899, MedGen C0265221, MONDO:0000171.
Cardiovascular phenotype. Identifiers: MedGen CN230736.

Submissions (2):

Ambry Genetics
Classification: Uncertain significance for Cardiovascular phenotype. Last evaluated: 2026-07-24. Review status: criteria provided, single submitter. Criteria: Ambry Variant Classification Scheme 2023. Collection method: clinical testing. Allele origin: germline.
Comment: The p.T65K variant (also known as c.194C>A), located in coding exon 3 of the FKTN gene, results from a C to A substitution at nucleotide position 194. The threonine at codon 65 is replaced by lysine, an amino acid with similar properties. This amino acid position is conserved. In addition, the in silico prediction for this alteration is inconclusive. Based on the available evidence, the clinical significance of this variant remains unclear.

Labcorp Genetics (formerly Invitae), Labcorp
Classification: Uncertain significance for Walker-Warburg congenital muscular dystrophy. Last evaluated: 2022-07-06. Review status: criteria provided, single submitter. Criteria: Invitae Variant Classification Sherloc (09022015). Collection method: clinical testing. Allele origin: germline.
Comment: This sequence change replaces threonine, which is neutral and polar, with lysine, which is basic and polar, at codon 65 of the FKTN protein (p.Thr65Lys). This variant is not present in population databases (gnomAD no frequency). This variant has not been reported in the literature in individuals affected with FKTN-related conditions. ClinVar contains an entry for this variant (Variation ID: 1405045). Algorithms developed to predict the effect of missense changes on protein structure and function (SIFT, PolyPhen-2, Align-GVGD) all suggest that this variant is likely to be tolerated. In summary, the available evidence is currently insufficient to determine the role of this variant in disease. Therefore, it has been classified as a Variant of Uncertain Significance.